The following is an entry in ClinVar:

NM_000186.4(CFH):c.1795C>T (p.Pro599Ser)

Gene: CFH (complement factor H; plus strand). Cytogenetic location: 1q31.3.
Variant type: single nucleotide variant.
Coding change: c.1795C>T on transcript NM_000186.4 (MANE Select); coding-DNA position 1795, C replaced by T.
Protein change: p.Pro599Ser; replaces proline 599 with serine.
Molecular consequence: missense variant.
Genome position (GRCh38, 1-based): chr1:196,725,219, C>T. VCF-style: chr1-196725219-C-T. GRCh37 (hg19) VCF-style: chr1-196694349-C-T.
Other names: short protein forms P599S.
Identifiers: ClinVar variation 2397708 (VCV002397708.5), dbSNP rs781365948, ClinGen allele CA35859486.
Genomic context (GRCh38, chr1:196,725,219, plus strand): 5'-GTTCCTGATCGCAAGAAAGACCAGTATAAAGTTGGAGAGGTGTTGAAATTCTCCTGCAAA[C>T]CAGGATTTACAATAGTTGGACCTAATTCCGTTCAGTGCTACCACTTTGGATTGTCTCCTG-3'
Protein context (NP_000177.2, residues 589-609): VGEVLKFSCK[Pro599Ser]GFTIVGPNSV

ClinVar aggregate classification (germline): Uncertain significance. Review status: criteria provided, multiple submitters, no conflicts (2 of 4 stars). 2 submissions from 2 submitters: Uncertain significance (2). Last evaluated 2024-10-19.

Conditions:
Inborn genetic diseases. Identifiers: MedGen C0950123, MeSH D030342.

gnomAD v4.1: 4 of 1,613,736 alleles (0.00025%); highest among the groups gnomAD compares: Non-Finnish European, 0.00034%; no homozygotes.

Submissions (2):

Labcorp Genetics (formerly Invitae), Labcorp
Classification: Uncertain significance. Last evaluated: 2024-10-19. Review status: criteria provided, single submitter. Criteria: Invitae Variant Classification Sherloc (09022015). Collection method: clinical testing. Allele origin: germline.
Comment: This sequence change replaces proline, which is neutral and non-polar, with serine, which is neutral and polar, at codon 599 of the CFH protein (p.Pro599Ser). This variant is not present in population databases (gnomAD no frequency). This variant has not been reported in the literature in individuals affected with CFH-related conditions. ClinVar contains an entry for this variant (Variation ID: 2397708). An algorithm developed to predict the effect of missense changes on protein structure and function outputs the following: PolyPhen-2: "Benign". The serine amino acid residue is found in multiple mammalian species, which suggests that this missense change does not adversely affect protein function. In summary, the available evidence is currently insufficient to determine the role of this variant in disease. Therefore, it has been classified as a Variant of Uncertain Significance.

Ambry Genetics
Classification: Uncertain significance for Inborn genetic diseases. Last evaluated: 2021-09-28. Review status: criteria provided, single submitter. Criteria: Ambry Variant Classification Scheme 2023. Collection method: clinical testing. Allele origin: germline.